The following is an entry in ClinVar:

NM_001128425.2(MUTYH):c.179A>G (p.Glu60Gly)

Gene: MUTYH (mutY DNA glycosylase; minus strand). Cytogenetic location: 1p34.1.
Variant type: single nucleotide variant.
Coding change: c.179A>G on transcript NM_001128425.2 (MANE Plus Clinical); coding-DNA position 179, A replaced by G.
Protein change: p.Glu60Gly; replaces glutamic acid 60 with glycine.
Molecular consequence: missense variant. On other transcripts: intron variant (10).
Genome position (GRCh38, 1-based): chr1:45,333,582, T>C on the plus strand (A>G on the coding strand, the complement: MUTYH is on the minus strand). VCF-style: chr1-45333582-T-C. GRCh37 (hg19) VCF-style: chr1-45799254-T-C.
Other names: c.128A>G, p.Glu43Gly (NM_001293191.2); c.170A>G, p.Glu57Gly (NM_012222.3); c.-92-85A>G (NM_001350651.2); c.-97-85A>G (NM_001293192.2, NM_001293196.2); c.-156-21A>G (NM_001350650.2); c.116-21A>G (NM_001048171.2, NM_001048173.2, NM_001048174.2 and 1 more transcripts); c.158-18A>G (NM_001293190.2); c.116-18A>G (NM_001048172.2); short protein forms E60G, E43G, E57G.
Identifiers: ClinVar variation 238343 (VCV000238343.18), dbSNP rs878854187, ClinGen allele CA10581813.

ClinVar aggregate classification (germline): Conflicting classifications of pathogenicity. Review status: criteria provided, conflicting classifications (1 of 4 stars). 5 submissions from 5 submitters: Uncertain significance (4); Likely benign (1). Last evaluated 2025-12-23.

Conditions:
Familial colorectal cancer type X. Identifiers: Orphanet 440437, MedGen C3896578, MONDO:0018604.
Familial adenomatous polyposis 2. Also called: FAP type 2; MUTYH Polyposis; MUTYH-related attenuated familial adenomatous polyposis; COLORECTAL ADENOMATOUS POLYPOSIS, AUTOSOMAL RECESSIVE; ADENOMAS, MULTIPLE COLORECTAL, AUTOSOMAL RECESSIVE; Adenomas, multiple colorectal. Identifiers: Orphanet 220460, Orphanet 247798, MedGen C3272841, MONDO:0012041, OMIM 608456.
Hereditary cancer-predisposing syndrome. Also called: Tumor predisposition; Hereditary neoplastic syndrome; Neoplastic Syndromes, Hereditary; Hereditary Cancer Syndrome. Identifiers: Orphanet 140162, MedGen C0027672, MeSH D009386, MONDO:0015356.

Allele frequency attached by ClinVar (database versions not stated): gnomAD exomes below 0.00001.
gnomAD v4.1: 1 of 1,611,942 alleles (0.000062%); highest among the groups gnomAD compares: East Asian, 0.0022%; no homozygotes.

Submissions (5):

Labcorp Genetics (formerly Invitae), Labcorp
Classification: Uncertain significance for Familial adenomatous polyposis 2. Last evaluated: 2025-12-23. Review status: criteria provided, single submitter. Criteria: Invitae Variant Classification Sherloc (09022015). Collection method: clinical testing. Allele origin: germline.
Comment: This sequence change replaces glutamic acid, which is acidic and polar, with glycine, which is neutral and non-polar, at codon 60 of the MUTYH protein (p.Glu60Gly). This variant is present in population databases (no rsID available, gnomAD 0.006%). This variant has not been reported in the literature in individuals affected with MUTYH-related conditions. ClinVar contains an entry for this variant (Variation ID: 238343). An algorithm developed to predict the effect of missense changes on protein structure and function (PolyPhen-2) suggests that this variant is likely to be tolerated. In summary, the available evidence is currently insufficient to determine the role of this variant in disease. Therefore, it has been classified as a Variant of Uncertain Significance.

Ambry Genetics
Classification: Likely benign for Hereditary cancer-predisposing syndrome. Last evaluated: 2024-01-16. Review status: criteria provided, single submitter. Criteria: Ambry Variant Classification Scheme 2023. Collection method: clinical testing. Allele origin: germline.

All of Us Research Program, National Institutes of Health
Classification: Uncertain significance for Familial adenomatous polyposis 2. Last evaluated: 2023-05-16. Review status: criteria provided, single submitter. Criteria: ACMG Guidelines, 2015. Collection method: clinical testing. Allele origin: germline. Inheritance: Autosomal recessive inheritance. Observed: 1 variant allele, 1 heterozygote.
Comment: This missense variant replaces glutamic acid with glycine at codon 60 of the MUTYH protein. Computational prediction suggests that this variant may not impact protein structure and function (internally defined REVEL score threshold <= 0.5, PMID: 27666373). To our knowledge, functional studies have not been reported for this variant. This variant has been reported in individuals affected with breast cancer (PMID: 33471991). This variant has been identified in 1/249988 chromosomes in the general population by the Genome Aggregation Database (gnomAD). The available evidence is insufficient to determine the role of this variant in disease conclusively. Therefore, this variant is classified as a Variant of Uncertain Significance.

This study involves interpretation of variants in research participants for the purpose of population health screening. Participant phenotype was not available at the time of variant classification. Additional details can be found in publication PMID: 35346344, PMCID: PMC8962531

Color Diagnostics, LLC DBA Color Health
Classification: Uncertain significance for Hereditary cancer-predisposing syndrome. Last evaluated: 2023-04-20. Review status: criteria provided, single submitter. Criteria: ACMG Guidelines, 2015. Collection method: clinical testing. Allele origin: germline.
Comment: This missense variant replaces glutamic acid with glycine at codon 60 of the MUTYH protein. Computational prediction suggests that this variant may not impact protein structure and function (internally defined REVEL score threshold <= 0.5, PMID: 27666373). To our knowledge, functional studies have not been reported for this variant. This variant has been reported in individuals affected with breast cancer (PMID: 33471991). This variant has been identified in 1/249988 chromosomes in the general population by the Genome Aggregation Database (gnomAD). The available evidence is insufficient to determine the role of this variant in disease conclusively. Therefore, this variant is classified as a Variant of Uncertain Significance.

Department of Pathology and Laboratory Medicine, Sinai Health System
Classification: Uncertain significance for Familial colorectal cancer type X. Last evaluated: 2019-10-15. Review status: criteria provided, single submitter. Criteria: ACMG Guidelines, 2015. Collection method: clinical testing. Allele origin: germline. Affected: yes.

Literature cited by the submitters: PubMed 33471991 (cited by All of Us Research Program, National Institutes of Health and Color Diagnostics, LLC DBA Color Health).